The following is an entry in ClinVar:

ClinVar aggregate classification (germline): Uncertain significance (1 of 4 stars; one submission).

Conditions:
Hereditary cancer-predisposing syndrome. Also called: Hereditary neoplastic syndrome; Hereditary Cancer Syndrome; Neoplastic Syndromes, Hereditary; Tumor predisposition. Identifiers: Orphanet 140162, MedGen C0027672, MeSH D009386, MONDO:0015356.

Allele frequency attached by ClinVar (database versions not stated): gnomAD exomes below 0.00001.
gnomAD v4.1: 1 of 1,614,120 alleles (0.000062%); highest among the groups gnomAD compares: Non-Finnish European, 0.000085%; no homozygotes.

Submission:

Ambry Genetics
Classification: Uncertain significance for Hereditary cancer-predisposing syndrome. Last evaluated: 2023-05-24. Review status: criteria provided, single submitter. Criteria: Ambry Variant Classification Scheme 2023. Collection method: clinical testing. Allele origin: germline.
Comment: The p.E608D variant (also known as c.1824G>C), located in coding exon 11 of the SMARCA4 gene, results from a G to C substitution at nucleotide position 1824. The glutamic acid at codon 608 is replaced by aspartic acid, an amino acid with highly similar properties. This amino acid position is highly conserved in available vertebrate species. In addition, this alteration is predicted to be tolerated by in silico analysis. Missense and in-frame variants in SMARCA4 are known to cause neurodevelopmental disorders; however, such associations with rhabdoid tumor predisposition syndrome including small cell carcinoma of the ovary-hypercalcemic type (SCCOHT) are exceedingly rare (Kosho T et al. Am J Med Genet C Semin Med Genet. 2014 Sep;166C(3):262-75; Jelinic P et al. Nat Genet. 2014 May;46(5):424-6). Based on the supporting evidence, the association of this alteration with Coffin-Siris syndrome is unknown; however, the association of this alteration with rhabdoid tumor predisposition syndrome is unlikely.

NM_003072.5(SMARCA4):c.1824G>C (p.Glu608Asp)

Gene: SMARCA4 (SWI/SNF related BAF chromatin remodeling complex subunit ATPase 4; plus strand). Cytogenetic location: 19p13.2.
Variant type: single nucleotide variant.
Coding change: c.1824G>C on transcript NM_003072.5 (MANE Select); coding-DNA position 1824, G replaced by C.
Protein change: p.Glu608Asp; replaces glutamic acid 608 with aspartic acid.
Molecular consequence: missense variant. On other transcripts: non-coding transcript variant (1).
Genome position (GRCh38, 1-based): chr19:11,003,040, G>C. VCF-style: chr19-11003040-G-C. GRCh37 (hg19) VCF-style: chr19-11113716-G-C.
Other names: c.1824G>C, p.Glu608Asp (NM_001128844.3, NM_001128845.2, NM_001128846.2 and 6 more transcripts); short protein forms E608D.
Identifiers: ClinVar variation 2567152 (VCV002567152.2), dbSNP rs2146094712, ClinGen allele CA404051406.